The following is an entry in ClinVar:

ClinVar aggregate classification (germline): Uncertain significance (1 of 4 stars; one submission).

Allele frequency attached by ClinVar (database versions not stated): gnomAD exomes below 0.00001.
gnomAD v4.1: 1 of 1,614,070 alleles (0.000062%); highest among the groups gnomAD compares: Middle Eastern, 0.016%; no homozygotes.

Submission:

Labcorp Genetics (formerly Invitae), Labcorp
Classification: Uncertain significance. Last evaluated: 2022-05-12. Review status: criteria provided, single submitter. Criteria: Invitae Variant Classification Sherloc (09022015). Collection method: clinical testing. Allele origin: germline.
Comment: In summary, the available evidence is currently insufficient to determine the role of this variant in disease. Therefore, it has been classified as a Variant of Uncertain Significance. Advanced modeling of protein sequence and biophysical properties (such as structural, functional, and spatial information, amino acid conservation, physicochemical variation, residue mobility, and thermodynamic stability) performed at Invitae indicates that this missense variant is not expected to disrupt COL4A1 protein function. This variant has not been reported in the literature in individuals affected with COL4A1-related conditions. This variant is not present in population databases (gnomAD no frequency). This sequence change replaces alanine, which is neutral and non-polar, with threonine, which is neutral and polar, at codon 1413 of the COL4A1 protein (p.Ala1413Thr).

NM_001845.6(COL4A1):c.4237G>A (p.Ala1413Thr)

Gene: COL4A1 (collagen type IV alpha 1 chain; minus strand). Cytogenetic location: 13q34.
Variant type: single nucleotide variant.
Coding change: c.4237G>A on transcript NM_001845.6 (MANE Select); coding-DNA position 4237, G replaced by A.
Protein change: p.Ala1413Thr; replaces alanine 1413 with threonine.
Molecular consequence: missense variant.
Genome position (GRCh38, 1-based): chr13:110,163,475, C>T on the plus strand (G>A on the coding strand, the complement: COL4A1 is on the minus strand). VCF-style: chr13-110163475-C-T. GRCh37 (hg19) VCF-style: chr13-110815822-C-T.
Other names: short protein forms A1413T.
Identifiers: ClinVar variation 2200537 (VCV002200537.4), dbSNP rs2501741428, ClinGen allele CA388659202.
Genomic context (GRCh38, chr13:110,163,475, plus strand): 5'-CCAAAGATCCTGGTCAAGGGTAATTACGTTGGAAGTTTCGCAACCTACCAGTAGGCCCGG[C>T]AGGTCCCATCTCTCCTTTCTGGCCAGGGGCACCGTCAAACCCAGGAATACCTGGAGGTCC-3'
Protein context (NP_001836.3, residues 1403-1423): APGQKGEMGP[Ala1413Thr]GPTGPRGFPG